The following is an entry in ClinVar:

NM_020911.2(PLXNA4):c.1685C>T (p.Thr562Met)

Gene: PLXNA4 (plexin A4; minus strand). Cytogenetic location: 7q32.3.
Variant type: single nucleotide variant.
Coding change: c.1685C>T on transcript NM_020911.2 (MANE Select); coding-DNA position 1685, C replaced by T.
Protein change: p.Thr562Met; replaces threonine 562 with methionine.
Molecular consequence: missense variant.
Genome position (GRCh38, 1-based): chr7:132,228,389, G>A on the plus strand (C>T on the coding strand, the complement: PLXNA4 is on the minus strand). VCF-style: chr7-132228389-G-A. GRCh37 (hg19) VCF-style: chr7-131913148-G-A.
Other names: c.1685C>T, p.Thr562Met (NM_001393897.1); short protein forms T562M.
Identifiers: ClinVar variation 3351051 (VCV003351051.2).

ClinVar aggregate classification (germline): Uncertain significance (1 of 4 stars; one submission).

Conditions:
PLXNA4-related disorder. Also called: PLXNA4-related condition.

gnomAD v4.1: 26 of 1,614,012 alleles (0.0016%); highest among the groups gnomAD compares: East Asian, 0.0089%; no homozygotes.

Submission:

PreventionGenetics, part of Exact Sciences
Classification: Uncertain significance for PLXNA4-related condition. Last evaluated: 2026-03-21. Review status: criteria provided, single submitter. Criteria: ACMG Guidelines, 2015. Collection method: clinical testing. Allele origin: germline.
Comment: The PLXNA4 c.1685C>T variant is predicted to result in the amino acid substitution p.Thr562Met. To our knowledge, this variant has not been reported in the literature. This variant is reported in 0.010% of alleles in individuals of East Asian descent in gnomAD. At this time, the clinical significance of this variant is uncertain due to the absence of conclusive functional and genetic evidence.